The following is an entry in ClinVar:

NM_006180.6(NTRK2):c.1228A>G (p.Thr410Ala)

Gene: NTRK2 (neurotrophic receptor tyrosine kinase 2; plus strand). Cytogenetic location: 9q21.33.
Variant type: single nucleotide variant.
Coding change: c.1228A>G on transcript NM_006180.6 (MANE Select); coding-DNA position 1228, A replaced by G.
Protein change: p.Thr410Ala; replaces threonine 410 with alanine.
Molecular consequence: missense variant.
Genome position (GRCh38, 1-based): chr9:84,745,005, A>G. VCF-style: chr9-84745005-A-G. GRCh37 (hg19) VCF-style: chr9-87359920-A-G.
Other names: c.1192A>G, p.Thr398Ala (NM_001369534.1); c.760A>G, p.Thr254Ala (NM_001369535.1, NM_001369536.1, NM_001369550.1 and 2 more transcripts); c.1228A>G, p.Thr410Ala (NM_001369537.1, NM_001369538.1, NM_001369539.1 and 16 more transcripts); c.1189A>G, p.Thr397Ala (NM_001291937.2, NM_001369546.1); short protein forms T254A, T397A, T398A, T410A.
Identifiers: ClinVar variation 1718232 (VCV001718232.5), dbSNP rs2492885051, ClinGen allele CA374006786.

ClinVar aggregate classification (germline): Uncertain significance (1 of 4 stars; one submission).

Submission:

Labcorp Genetics (formerly Invitae), Labcorp
Classification: Uncertain significance. Last evaluated: 2022-09-22. Review status: criteria provided, single submitter. Criteria: Invitae Variant Classification Sherloc (09022015). Collection method: clinical testing. Allele origin: germline.
Comment: This variant is not present in population databases (gnomAD no frequency). This variant has not been reported in the literature in individuals affected with NTRK2-related conditions. Advanced modeling of protein sequence and biophysical properties (such as structural, functional, and spatial information, amino acid conservation, physicochemical variation, residue mobility, and thermodynamic stability) performed at Invitae indicates that this missense variant is expected to disrupt NTRK2 protein function. In summary, the available evidence is currently insufficient to determine the role of this variant in disease. Therefore, it has been classified as a Variant of Uncertain Significance. This sequence change replaces threonine, which is neutral and polar, with alanine, which is neutral and non-polar, at codon 410 of the NTRK2 protein (p.Thr410Ala).